The following is an entry in ClinVar:

ClinVar aggregate classification (germline): Conflicting classifications of pathogenicity. Review status: criteria provided, conflicting classifications (1 of 4 stars). 2 submissions from 2 submitters: Uncertain significance (1); Benign (1). Last evaluated 2022-10-24.

Conditions:
Ovarian cancer. Also called: OVARIAN CANCER, SOMATIC. Identifiers: Orphanet 213500, MedGen C1140680, MONDO:0008170, OMIM 167000.
Werner syndrome (WRN). Identifiers: Orphanet 902, MedGen C0043119, MONDO:0010196, OMIM 277700.

Allele frequency attached by ClinVar (database versions not stated): gnomAD 0.00001; TOPMed 0.00001; ExAC 0.00002; gnomAD exomes 0.00002.
gnomAD v4.1: 19 of 1,613,640 alleles (0.0012%); highest among the groups gnomAD compares: East Asian, 0.0067%; no homozygotes.

Submissions (2):

Labcorp Genetics (formerly Invitae), Labcorp
Classification: Uncertain significance for Werner syndrome. Last evaluated: 2022-10-24. Review status: criteria provided, single submitter. Criteria: Invitae Variant Classification Sherloc (09022015). Collection method: clinical testing. Allele origin: germline.
Comment: This sequence change replaces aspartic acid, which is acidic and polar, with asparagine, which is neutral and polar, at codon 58 of the WRN protein (p.Asp58Asn). This variant is present in population databases (rs773803207, gnomAD 0.02%). This variant has not been reported in the literature in individuals affected with WRN-related conditions. ClinVar contains an entry for this variant (Variation ID: 458390). Algorithms developed to predict the effect of missense changes on protein structure and function are either unavailable or do not agree on the potential impact of this missense change (SIFT: "Not Available"; PolyPhen-2: "Benign"; Align-GVGD: "Not Available"). In summary, the available evidence is currently insufficient to determine the role of this variant in disease. Therefore, it has been classified as a Variant of Uncertain Significance.

Laboratory of Molecular Epidemiology of Birth Defects, West China Second University Hospital, Sichuan University
Classification: Benign for Ovarian cancer. Last evaluated: 2022-01-01. Review status: criteria provided, single submitter. Criteria: ACMG Guidelines, 2015. Collection method: clinical testing. Allele origin: germline. Affected: yes.

NM_000553.6(WRN):c.172G>A (p.Asp58Asn)

Gene: WRN (WRN RecQ like helicase; plus strand). Cytogenetic location: 8p12.
Variant type: single nucleotide variant.
Coding change: c.172G>A on transcript NM_000553.6 (MANE Select); coding-DNA position 172, G replaced by A.
Protein change: p.Asp58Asn; replaces aspartic acid 58 with asparagine.
Molecular consequence: missense variant.
Genome position (GRCh38, 1-based): chr8:31,059,228, G>A. VCF-style: chr8-31059228-G-A. GRCh37 (hg19) VCF-style: chr8-30916744-G-A.
Other names: short protein forms D58N.
Identifiers: ClinVar variation 458390 (VCV000458390.6), dbSNP rs773803207, ClinGen allele CA4703996.
Genomic context (GRCh38, chr8:31,059,228, plus strand): 5'-AGTGTTTTTGAAGATGACCTCCCCTTCTTAGAATTCACTGGATCCATTGTGTATAGTTAC[G>A]ATGCTAGTGATTGCTCTTTCCTGTCAGAAGATATTAGGTAAGTGATTTGAATTTCCTGAT-3'
Protein context (NP_000544.2, residues 48-68): EFTGSIVYSY[Asp58Asn]ASDCSFLSED